The following is an entry in ClinVar:

ClinVar aggregate classification (germline): Uncertain significance (1 of 4 stars; one submission).

Conditions:
PKD2-related disorder. Also called: PKD2-related condition.

Submission:

PreventionGenetics, part of Exact Sciences
Classification: Uncertain significance for PKD2-related condition. Last evaluated: 2026-05-26. Review status: criteria provided, single submitter. Criteria: ACMG Guidelines, 2015. Collection method: clinical testing. Allele origin: germline.
Comment: The PKD2 c.596G>A variant is predicted to result in the amino acid substitution p.Gly199Asp. To our knowledge, this variant has not been reported in the literature or in a large population database (gnomAD), indicating this variant is rare. At this time, the clinical significance of this variant is uncertain due to the absence of conclusive functional and genetic evidence.

NM_000297.4(PKD2):c.596G>A (p.Gly199Asp)

Gene: PKD2 (polycystin 2, transient receptor potential cation channel; plus strand). Cytogenetic location: 4q22.1.
Variant type: single nucleotide variant.
Coding change: c.596G>A on transcript NM_000297.4 (MANE Select); coding-DNA position 596, G replaced by A.
Protein change: p.Gly199Asp; replaces glycine 199 with aspartic acid.
Molecular consequence: missense variant. On other transcripts: non-coding transcript variant (1).
Genome position (GRCh38, 1-based): chr4:88,019,458, G>A. VCF-style: chr4-88019458-G-A. GRCh37 (hg19) VCF-style: chr4-88940610-G-A.
Other names: c.596G>A, p.Gly199Asp (NM_001440544.1); short protein forms G199D.
Identifiers: ClinVar variation 4995024 (VCV004995024.1).
Genomic context (GRCh38, chr4:88,019,458, plus strand): 5'-CATTCATGAGATTTCTTAAATAAAATGATATCTTTTCTTTTCTTCATTATTATTTTAAAG[G>A]TCTCTGGGGAACAAGACTCATGGAGGAAAGCAGCACTAACCGAGAGAAATACCTTAAAAG-3'
Protein context (NP_000288.1, residues 189-209): WAERLVRGLR[Gly199Asp]LWGTRLMEES